The following is an entry in ClinVar:

NM_016519.6(AMBN):c.657A>G (p.Gln219=)

Gene: AMBN (ameloblastin; plus strand). Cytogenetic location: 4q13.3.
Variant type: single nucleotide variant.
Coding change: c.657A>G on transcript NM_016519.6 (MANE Select); coding-DNA position 657, A replaced by G.
Protein change: p.Gln219=; no amino-acid change (glutamine 219 retained).
Molecular consequence: synonymous variant.
Genome position (GRCh38, 1-based): chr4:70,603,268, A>G. VCF-style: chr4-70603268-A-G. GRCh37 (hg19) VCF-style: chr4-71468985-A-G.
Other names: NC_000004.11:g.71468985A>G.
Identifiers: ClinVar variation 3059460 (VCV003059460.3), dbSNP rs35266919, ClinGen allele CA2951468.
Genomic context (GRCh38, chr4:70,603,268, plus strand): 5'-TTATGGGGATGTGCCTGTGAGAATTACTTATTCTGTTTTCTACCATTTAAAGATTTTCCA[A>G]ATAGCCCGTTTGATTTCTCACGGACCAATGCCACAAAATAAACAATCTCCAGTAAGTTTT-3'
Protein context (NP_057603.1, residues 209-229): FADPQGSTIF[Gln219=]IARLISHGPM

ClinVar aggregate classification (germline): Benign (0 of 4 stars; one submission).

Conditions:
AMBN-related disorder. Also called: AMBN-related condition.

Allele frequency attached by ClinVar (database versions not stated): 1000 Genomes Project 0.07608; 1000 Genomes Project 30x 0.07823; TOPMed 0.14252; gnomAD 0.15324; ExAC 0.15646; ESP Exome Variant Server 0.17049; gnomAD exomes 0.20435.
gnomAD v4.1: 320,114 of 1,611,996 alleles (20%); highest among the groups gnomAD compares: Non-Finnish European, 23%; 35,996 homozygotes.

Submissions (2):

PreventionGenetics, part of Exact Sciences
Classification: Benign for AMBN-related condition. Last evaluated: 2019-10-21. Review status: no assertion criteria provided. Collection method: clinical testing. Allele origin: germline.
Comment: This variant is classified as benign based on ACMG/AMP sequence variant interpretation guidelines (Richards et al. 2015 PMID: 25741868, with internal and published modifications).

Dr. Peter K. Rogan Lab, Western University
No classification provided (evidence only). Condition: Malignant lymphoma, large B-cell, diffuse. Review status: no classification provided. Collection method: in vitro. Allele origin: not applicable. Functional consequence: retained intron. Not counted in ClinVar's aggregate classification.